The following is an entry in ClinVar:

NM_198428.3(BBS9):c.1370T>A (p.Leu457Ter)

Gene: BBS9 (Bardet-Biedl syndrome 9; plus strand). Cytogenetic location: 7p14.3.
Variant type: single nucleotide variant.
Coding change: c.1370T>A on transcript NM_198428.3 (MANE Select); coding-DNA position 1370, T replaced by A.
Protein change: p.Leu457Ter; replaces leucine 457 with a stop codon.
Molecular consequence: nonsense. On other transcripts: non-coding transcript variant (3).
Genome position (GRCh38, 1-based): chr7:33,349,108, T>A. VCF-style: chr7-33349108-T-A. GRCh37 (hg19) VCF-style: chr7-33388720-T-A.
Other names: c.1370T>A, p.Leu457Ter (NM_001033604.2, NM_001033605.2, NM_001348036.1 and 5 more transcripts); c.1004T>A, p.Leu335Ter (NM_001348037.3, NM_001348044.3, NM_001348045.3 and 1 more transcripts); c.1097T>A, p.Leu366Ter (NM_001348038.3, NM_001348039.3); c.1235T>A, p.Leu412Ter (NM_001348042.3); short protein forms L457*, L366*, L412*, L335*.
Identifiers: ClinVar variation 216144 (VCV000216144.8), dbSNP rs762511626, ClinGen allele CA338649.

ClinVar aggregate classification (germline): Pathogenic/Likely pathogenic. Review status: criteria provided, multiple submitters, no conflicts (2 of 4 stars). 3 submissions from 3 submitters: Pathogenic (1); Likely pathogenic (2). Last evaluated 2023-10-16.

Conditions:
BBS9-related disorder. Also called: BBS9-related condition.
Bardet-Biedl syndrome (BBS). Identifiers: Orphanet 110, MedGen C0752166, MONDO:0015229.
Bardet-Biedl syndrome 9 (BBS9). Identifiers: Orphanet 110, MedGen C1859567, MONDO:0014437, OMIM 615986.

Allele frequency attached by ClinVar (database versions not stated): ExAC 0.00001; gnomAD exomes 0.00001; TOPMed 0.00001.
gnomAD v4.1: 2 of 1,613,400 alleles (0.00012%); highest among the groups gnomAD compares: Admixed American, 0.0033%; no homozygotes.

Submissions (3):

Labcorp Genetics (formerly Invitae), Labcorp
Classification: Pathogenic for Bardet-Biedl syndrome. Last evaluated: 2023-10-16. Review status: criteria provided, single submitter. Criteria: Invitae Variant Classification Sherloc (09022015). Collection method: clinical testing. Allele origin: germline.
Comment: This sequence change creates a premature translational stop signal (p.Leu457*) in the BBS9 gene. It is expected to result in an absent or disrupted protein product. Loss-of-function variants in BBS9 are known to be pathogenic (PMID: 16380913, 20177705). This variant is present in population databases (rs762511626, gnomAD 0.006%). This variant has not been reported in the literature in individuals affected with BBS9-related conditions. ClinVar contains an entry for this variant (Variation ID: 216144). For these reasons, this variant has been classified as Pathogenic.

Baylor Genetics
Classification: Likely pathogenic for Bardet-Biedl syndrome 9. Last evaluated: 2023-09-07. Review status: criteria provided, single submitter. Criteria: ACMG Guidelines, 2015. Collection method: clinical testing. Allele origin: unknown.

Blueprint Genetics
Classification: Likely pathogenic for BBS9-related disorders. Last evaluated: 2021-11-16. Review status: criteria provided, single submitter. Criteria: ACMG Guidelines, 2015. Collection method: clinical testing. Allele origin: germline. Affected: yes. Observed: 1 variant allele.

Literature cited by the submitters: PubMed 16380913 (cited by Labcorp Genetics (formerly Invitae), Labcorp); PubMed 20177705 (cited by Labcorp Genetics (formerly Invitae), Labcorp).